The following is an entry in ClinVar:

NM_018979.4(WNK1):c.5396A>G (p.Gln1799Arg)

Gene: WNK1 (WNK lysine deficient protein kinase 1; plus strand). Cytogenetic location: 12p13.33.
Variant type: single nucleotide variant.
Coding change: c.5396A>G on transcript NM_018979.4 (MANE Select); coding-DNA position 5396, A replaced by G.
Protein change: p.Gln1799Arg; replaces glutamine 1799 with arginine.
Molecular consequence: missense variant.
Genome position (GRCh38, 1-based): chr12:889,171, A>G. VCF-style: chr12-889171-A-G. GRCh37 (hg19) VCF-style: chr12-998337-A-G.
Other names: c.6176A>G, p.Gln2059Arg (NM_001184985.2); c.4655A>G, p.Gln1552Arg (NM_014823.3); c.6152A>G, p.Gln2051Arg (NM_213655.5); short protein forms Q2051R, Q2059R, Q1799R, Q1552R.
Identifiers: ClinVar variation 4791831 (VCV004791831.1).

ClinVar aggregate classification (germline): Uncertain significance (1 of 4 stars; one submission).

Conditions:
Neuropathy, hereditary sensory and autonomic, type 2A (HSAN2A). Also called: ACROOSTEOLYSIS, GIACCAI TYPE; ACROOSTEOLYSIS, NEUROGENIC; MORVAN DISEASE; NEUROPATHY, CONGENITAL SENSORY; NEUROPATHY, HEREDITARY SENSORY RADICULAR, AUTOSOMAL RECESSIVE; NEUROPATHY, HEREDITARY SENSORY, TYPE IIA. Identifiers: Orphanet 970, MedGen C2752089, MONDO:0024309, OMIM 201300.
Pseudohypoaldosteronism type 2C (PHA2C). Also called: Pseudohypoaldosteronism Type IIC. Identifiers: Orphanet 757, Orphanet 88940, MedGen C1840391, MONDO:0013778, OMIM 614492.

gnomAD v4.1: 2 of 1,614,146 alleles (0.00012%); highest among the groups gnomAD compares: South Asian, 0.0022%; no homozygotes.

Submission:

Labcorp Genetics (formerly Invitae), Labcorp
Classification: Uncertain significance for Neuropathy, hereditary sensory and autonomic, type 2A; Pseudohypoaldosteronism type 2C. Last evaluated: 2025-03-30. Review status: criteria provided, single submitter. Criteria: Invitae Variant Classification Sherloc (09022015). Collection method: clinical testing. Allele origin: germline.
Comment: This sequence change replaces glutamine, which is neutral and polar, with arginine, which is basic and polar, at codon 2051 of the WNK1 protein (p.Gln2051Arg). This variant is present in population databases (no rsID available, gnomAD 0.003%). This variant has not been reported in the literature in individuals affected with WNK1-related conditions. Invitae Evidence Modeling of protein sequence and biophysical properties (such as structural, functional, and spatial information, amino acid conservation, physicochemical variation, residue mobility, and thermodynamic stability) indicates that this missense variant is not expected to disrupt WNK1 protein function with a negative predictive value of 95%. In summary, the available evidence is currently insufficient to determine the role of this variant in disease. Therefore, it has been classified as a Variant of Uncertain Significance.